The following is an entry in ClinVar:

ClinVar aggregate classification (germline): Uncertain significance. Review status: criteria provided, multiple submitters, no conflicts (2 of 4 stars). 2 submissions from 2 submitters: Uncertain significance (2). Last evaluated 2023-12-05.

Conditions:
Hereditary cancer-predisposing syndrome. Also called: Tumor predisposition; Neoplastic Syndromes, Hereditary; Hereditary neoplastic syndrome; Hereditary Cancer Syndrome. Identifiers: Orphanet 140162, MedGen C0027672, MeSH D009386, MONDO:0015356.

Submissions (2):

Color Diagnostics, LLC DBA Color Health
Classification: Uncertain significance for Hereditary cancer-predisposing syndrome. Last evaluated: 2023-12-05. Review status: criteria provided, single submitter. Criteria: ACMG Guidelines, 2015. Collection method: clinical testing. Allele origin: germline.
Comment: This missense variant replaces glutamine with histidine at codon 939 of the MSH6 protein. Computational prediction suggests that this variant may not impact protein structure and function (internally defined REVEL score threshold <= 0.5, PMID: 27666373). To our knowledge, functional studies have not been reported for this variant. This variant has not been reported in individuals affected with MSH6-related disorders in the literature. This variant has not been identified in the general population by the Genome Aggregation Database (gnomAD). The available evidence is insufficient to determine the role of this variant in disease conclusively. Therefore, this variant is classified as a Variant of Uncertain Significance.

Ambry Genetics
Classification: Uncertain significance for Hereditary cancer-predisposing syndrome. Last evaluated: 2021-01-05. Review status: criteria provided, single submitter. Criteria: Ambry Variant Classification Scheme 2023. Collection method: clinical testing. Allele origin: germline.
Comment: The p.Q939H variant (also known as c.2817A>C), located in coding exon 4 of the MSH6 gene, results from an A to C substitution at nucleotide position 2817. The glutamine at codon 939 is replaced by histidine, an amino acid with highly similar properties. This amino acid position is well conserved in available vertebrate species. In addition, the in silico prediction for this alteration is inconclusive. Since supporting evidence is limited at this time, the clinical significance of this alteration remains unclear.

NM_000179.3(MSH6):c.2817A>C (p.Gln939His)

Gene: MSH6 (mutS homolog 6; plus strand). Cytogenetic location: 2p16.3.
Variant type: single nucleotide variant.
Coding change: c.2817A>C on transcript NM_000179.3 (MANE Select); coding-DNA position 2817, A replaced by C.
Protein change: p.Gln939His; replaces glutamine 939 with histidine.
Molecular consequence: missense variant.
Genome position (GRCh38, 1-based): chr2:47,800,800, A>C. VCF-style: chr2-47800800-A-C. GRCh37 (hg19) VCF-style: chr2-48027939-A-C.
Other names: c.2427A>C, p.Gln809His (NM_001281492.2); c.1911A>C, p.Gln637His (NM_001281493.2, NM_001281494.2); short protein forms Q939H, Q809H, Q637H.
Identifiers: ClinVar variation 630616 (VCV000630616.6), dbSNP rs1553414180, ClinGen allele CA346755652.